The following is an entry in ClinVar:

NM_014000.3(VCL):c.854G>T (p.Arg285Leu)

Gene: VCL (vinculin; plus strand). Cytogenetic location: 10q22.2.
Variant type: single nucleotide variant.
Coding change: c.854G>T on transcript NM_014000.3 (MANE Select); coding-DNA position 854, G replaced by T.
Protein change: p.Arg285Leu; replaces arginine 285 with leucine.
Molecular consequence: missense variant.
Genome position (GRCh38, 1-based): chr10:74,082,524, G>T. VCF-style: chr10-74082524-G-T. GRCh37 (hg19) VCF-style: chr10-75842282-G-T.
Other names: c.854G>T, p.Arg285Leu (NM_003373.4); short protein forms R285L.
Identifiers: ClinVar variation 1763819 (VCV001763819.3), dbSNP rs397517246, ClinGen allele CA377269753.

ClinVar aggregate classification (germline): Uncertain significance. Review status: criteria provided, multiple submitters, no conflicts (2 of 4 stars). 2 submissions from 2 submitters: Uncertain significance (2). Last evaluated 2026-07-10.

Conditions:
Cardiovascular phenotype. Identifiers: MedGen CN230736.
VCL-related disorder. Also called: VCL-related condition.

gnomAD v4.1: 67 of 1,613,992 alleles (0.0042%); highest among the groups gnomAD compares: East Asian, 0.15%; no homozygotes.

Submissions (2):

PreventionGenetics, part of Exact Sciences
Classification: Uncertain significance for VCL-related condition. Last evaluated: 2026-07-10. Review status: criteria provided, single submitter. Criteria: ACMG Guidelines, 2015. Collection method: clinical testing. Allele origin: germline.
Comment: The VCL c.854G>T variant is predicted to result in the amino acid substitution p.Arg285Leu. To our knowledge, this variant has not been reported in the literature or in a large population database (gnomAD), indicating this variant is rare. At this time, the clinical significance of this variant is uncertain due to the absence of conclusive functional and genetic evidence.

Ambry Genetics
Classification: Uncertain significance for Cardiovascular phenotype. Last evaluated: 2022-05-20. Review status: criteria provided, single submitter. Criteria: Ambry Variant Classification Scheme 2023. Collection method: clinical testing. Allele origin: germline.
Comment: The p.R285L variant (also known as c.854G>T), located in coding exon 7 of the VCL gene, results from a G to T substitution at nucleotide position 854. The arginine at codon 285 is replaced by leucine, an amino acid with dissimilar properties. This amino acid position is conserved. In addition, the in silico prediction for this alteration is inconclusive. Since supporting evidence is limited at this time, the clinical significance of this alteration remains unclear.